The following is an entry in ClinVar:

ClinVar aggregate classification (germline): Pathogenic (1 of 4 stars; one submission).

Submission:

Labcorp Genetics (formerly Invitae), Labcorp
Classification: Pathogenic. Last evaluated: 2023-12-05. Review status: criteria provided, single submitter. Criteria: Invitae Variant Classification Sherloc (09022015). Collection method: clinical testing. Allele origin: germline.
Comment: This sequence change creates a premature translational stop signal (p.Leu1137Trpfs*18) in the POLE gene. It is expected to result in an absent or disrupted protein product. Loss-of-function variants in POLE are known to be pathogenic (PMID: 23230001, 25948378, 30503519). This variant is not present in population databases (gnomAD no frequency). This variant has not been reported in the literature in individuals affected with POLE-related conditions. For these reasons, this variant has been classified as Pathogenic.

Literature cited by the submitters: PubMed 23230001; PubMed 25948378; PubMed 30503519.

NM_006231.4(POLE):c.3408del (p.Leu1137fs)

Gene: POLE (DNA polymerase epsilon, catalytic subunit; minus strand). Cytogenetic location: 12q24.33.
Variant type: Deletion.
Coding change: c.3408del on transcript NM_006231.4 (MANE Select); coding-DNA position 3408, one base deleted (G; older notation c.3408delG).
Protein change: p.Leu1137fs; shifts the reading frame from leucine 1137.
Molecular consequence: frameshift variant.
Genome position (GRCh38, 1-based): chr12:132,657,400, C deleted on the plus strand (G on the coding strand, the reverse complement: POLE is on the minus strand); the first of 2 consecutive C bases (chr12:132,657,400-132,657,401); deleting either gives the same sequence. VCF-style (leftmost placement, unchanged base first): chr12-132657399-GC-G. GRCh37 (hg19) VCF-style: chr12-133233985-GC-G.
Other names: short protein forms L1137fs.
Identifiers: ClinVar variation 2700961 (VCV002700961.3), dbSNP rs2542002493, ClinGen allele CA2697551604.